The following is an entry in ClinVar:

ClinVar aggregate classification (germline): Uncertain significance (1 of 4 stars; one submission).

Submission:

Ambry Genetics
Classification: Uncertain significance. Last evaluated: 2024-02-10. Review status: criteria provided, single submitter. Criteria: Ambry Variant Classification Scheme 2023. Collection method: clinical testing. Allele origin: germline.
Comment: The p.P156H variant (also known as c.467C>A), located in coding exon 5 of the FAM175A gene, results from a C to A substitution at nucleotide position 467. The proline at codon 156 is replaced by histidine, an amino acid with similar properties. This amino acid position is conserved. In addition, the in silico prediction for this alteration is inconclusive. Based on the available evidence, the clinical significance of this alteration remains unclear.

NM_139076.3(ABRAXAS1):c.467C>A (p.Pro156His)

Gene: ABRAXAS1 (abraxas 1, BRCA1 A complex subunit; minus strand). Cytogenetic location: 4q21.23.
Variant type: single nucleotide variant.
Coding change: c.467C>A on transcript NM_139076.3 (MANE Select); coding-DNA position 467, C replaced by A.
Protein change: p.Pro156His; replaces proline 156 with histidine.
Molecular consequence: missense variant.
Genome position (GRCh38, 1-based): chr4:83,470,212, G>T on the plus strand (C>A on the coding strand, the complement: ABRAXAS1 is on the minus strand). VCF-style: chr4-83470212-G-T. GRCh37 (hg19) VCF-style: chr4-84391365-G-T.
Other names: c.140C>A, p.Pro47His (NM_001345962.2); short protein forms P156H, P47H.
Identifiers: ClinVar variation 3229150 (VCV003229150.1), dbSNP rs1722527633, ClinGen allele CA357259680.